The following is an entry in ClinVar:

ClinVar aggregate classification (germline): Uncertain significance. Review status: criteria provided, single submitter (1 of 4 stars). 2 submissions from 2 submitters: Uncertain significance (1). 1 of the submissions does not count toward it. Last evaluated 2019-12-03.

Conditions:
Nemaline myopathy 2 (NEM2). Also called: Nemaline myopathy 2, autosomal recessive. Identifiers: MedGen C1850569, MONDO:0009725, OMIM 256030.

Allele frequency attached by ClinVar (database versions not stated): gnomAD exomes 0.00001 and 0.00003.
gnomAD v4.1: 5 of 745,660 alleles (0.00067%); highest among the groups gnomAD compares: African/African-American, 0.0046%; 1 homozygote.

Submissions (2):

Labcorp Genetics (formerly Invitae), Labcorp
Classification: Uncertain significance for Nemaline myopathy 2. Last evaluated: 2019-12-03. Review status: criteria provided, single submitter. Criteria: Invitae Variant Classification Sherloc (09022015). Collection method: clinical testing. Allele origin: germline.
Comment: This variant occurs in a region of NEB (Exons 82-105) consisting of three highly homologous 8-exon repeat units (exons 82-89, exons 90-97, exons 98-105). Sequence variants in this region can be detected, but this assay cannot determine which of the three repeat units is affected, and zygosity is often ambiguous. All variants in this region are reported relative to the exon 82-89 repeat. This sequence change falls in intron 84 of the NEB gene. It does not directly change the encoded amino acid sequence of the NEB protein, but it affects a nucleotide within the consensus splice site of the intron. This variant has not been reported in the literature in individuals with NEB-related conditions. Nucleotide substitutions within the consensus splice site are a relatively common cause of aberrant splicing (PMID: 17576681, 9536098). Algorithms developed to predict the effect of sequence changes on RNA splicing suggest that this variant is not likely to affect RNA splicing, but this prediction has not been confirmed by published transcriptional studies. In summary, the available evidence is currently insufficient to determine the role of this variant in disease. Therefore, it has been classified as a Variant of Uncertain Significance.

Natera, Inc.
Classification: Uncertain significance for Nemaline myopathy type 2. Last evaluated: 2020-01-11. Review status: no assertion criteria provided. Collection method: clinical testing. Allele origin: germline. Not counted in ClinVar's aggregate classification.

Literature cited by the submitters: PubMed 17576681 (cited by Labcorp Genetics (formerly Invitae), Labcorp); PubMed 9536098 (cited by Labcorp Genetics (formerly Invitae), Labcorp).

NM_001164508.2(NEB):c.12747+4C>T

Gene: NEB (nebulin; minus strand). Cytogenetic location: 2q23.3.
Variant type: single nucleotide variant.
Coding change: c.12747+4C>T on transcript NM_001164508.2 (MANE Select); 4 bases into the intron after coding-DNA position 12747, C replaced by T.
Molecular consequence: intron variant.
Genome position (GRCh38, 1-based): chr2:151,606,602, G>A on the plus strand (C>T on the coding strand, the complement: NEB is on the minus strand). VCF-style: chr2-151606602-G-A. GRCh37 (hg19) VCF-style: chr2-152463116-G-A.
Other names: c.11601+3207C>T (NM_004543.5); c.12747+4C>T (NM_001164507.2, NM_001271208.2).
Identifiers: ClinVar variation 970317 (VCV000970317.7), dbSNP rs1436792470, ClinGen allele CA536637126.